The following is an entry in ClinVar:

ClinVar aggregate classification (germline): Likely pathogenic (1 of 4 stars; one submission).

Conditions:
Neurodevelopmental disorder with or without early-onset generalized epilepsy. Identifiers: MedGen C5436914, MONDO:0030930, OMIM 619157.

Submission:

3billion
Classification: Likely pathogenic for Neurodevelopmental disorder with or without early-onset generalized epilepsy. Last evaluated: 2025-02-06. Review status: criteria provided, single submitter. Criteria: ACMG Guidelines, 2015. Collection method: clinical testing. Allele origin: germline. Affected: yes.
Comment: The variant is not observed in the gnomAD v4.1.0 dataset. Predicted Consequence/Location: Canonical splice site: predicted to alter splicing and result in a loss or disruption of normal protein function. Multiple pathogenic loss-of-function variants are reported downstream of the variant. Therefore, this variant is classified as Likely pathogenic according to the recommendation of ACMG/AMP guideline.

NM_001385012.1(NBEA):c.4662+2dup

Gene: NBEA (neurobeachin; plus strand). Cytogenetic location: 13q13.3.
Variant type: Duplication.
Coding change: c.4662+2dup on transcript NM_001385012.1 (MANE Select); the canonical splice donor site of the intron after coding-DNA position 4662, one base duplicated (T; older notation c.4662+2dupT).
Molecular consequence: splice donor variant.
Genome position (GRCh38, 1-based): chr13:35,177,105, T duplicated. VCF-style (leftmost placement, unchanged base first): chr13-35177104-G-GT. GRCh37 (hg19) VCF-style: chr13-35751241-G-GT.
Other names: c.4662+2dup (NM_015678.5); c.4653+2dup (NM_001379245.1).
Identifiers: ClinVar variation 4294026 (VCV004294026.1).